The following is an entry in ClinVar:

NM_002979.5(SCP2):c.443T>C (p.Ile148Thr)

Gene: SCP2 (sterol carrier protein 2; plus strand). Cytogenetic location: 1p32.3.
Variant type: single nucleotide variant.
Coding change: c.443T>C on transcript NM_002979.5 (MANE Select); coding-DNA position 443, T replaced by C.
Protein change: p.Ile148Thr; replaces isoleucine 148 with threonine.
Molecular consequence: missense variant.
Genome position (GRCh38, 1-based): chr1:52,961,549, T>C. VCF-style: chr1-52961549-T-C. GRCh37 (hg19) VCF-style: chr1-53427221-T-C.
Other names: c.200T>C, p.Ile67Thr (NM_001193617.2); c.443T>C, p.Ile148Thr (NM_001330587.2); c.311T>C, p.Ile104Thr (NM_001007098.3, NM_001193600.2); c.371T>C, p.Ile124Thr (NM_001193599.2); c.443T>C (NM_002979.4); short protein forms I148T, I67T, I104T, I124T.
Identifiers: ClinVar variation 594628 (VCV000594628.12), dbSNP rs748097264, ClinGen allele CA857117.

ClinVar aggregate classification (germline): Uncertain significance. Review status: criteria provided, multiple submitters, no conflicts (2 of 4 stars). 4 submissions from 4 submitters: Uncertain significance (4). Last evaluated 2026-07-24.

Conditions:
SCP2-related disorder. Also called: SCP2-related condition.

Allele frequency attached by ClinVar (database versions not stated): gnomAD 0.00001; TOPMed 0.00003; gnomAD exomes 0.00004 and 0.00009; ExAC 0.00008.
gnomAD v4.1: 26 of 1,613,760 alleles (0.0016%); highest among the groups gnomAD compares: Admixed American, 0.043%; no homozygotes.

Submissions (4):

PreventionGenetics, part of Exact Sciences
Classification: Uncertain significance for SCP2-related condition. Last evaluated: 2026-07-24. Review status: criteria provided, single submitter. Criteria: ACMG Guidelines, 2015. Collection method: clinical testing. Allele origin: germline.
Comment: The SCP2 c.443T>C variant is predicted to result in the amino acid substitution p.Ile148Thr. To our knowledge, this variant has not been reported in the literature. This variant is reported in 0.066% of alleles in individuals of Latino descent in gnomAD. Although we suspect that this variant may be benign, at this time, the clinical significance of this variant is uncertain due to the absence of conclusive functional and genetic evidence.

Ambry Genetics
Classification: Uncertain significance. Last evaluated: 2022-10-26. Review status: criteria provided, single submitter. Criteria: Ambry Variant Classification Scheme 2023. Collection method: clinical testing. Allele origin: germline.

Labcorp Genetics (formerly Invitae), Labcorp
Classification: Uncertain significance. Last evaluated: 2022-10-21. Review status: criteria provided, single submitter. Criteria: Invitae Variant Classification Sherloc (09022015). Collection method: clinical testing. Allele origin: germline.
Comment: This sequence change replaces isoleucine, which is neutral and non-polar, with threonine, which is neutral and polar, at codon 148 of the SCP2 protein (p.Ile148Thr). This variant is present in population databases (rs748097264, gnomAD 0.07%). This variant has not been reported in the literature in individuals affected with SCP2-related conditions. ClinVar contains an entry for this variant (Variation ID: 594628). Algorithms developed to predict the effect of missense changes on protein structure and function (SIFT, PolyPhen-2, Align-GVGD) all suggest that this variant is likely to be tolerated. In summary, the available evidence is currently insufficient to determine the role of this variant in disease. Therefore, it has been classified as a Variant of Uncertain Significance.

Eurofins Ntd Llc (ga)
Classification: Uncertain significance. Last evaluated: 2017-10-19. Review status: criteria provided, single submitter. Criteria: EGL Classification Definitions 2015. Collection method: clinical testing. Allele origin: germline. Observed: 1 variant allele, 1 heterozygote.